The following is an entry in ClinVar:

NM_006329.3(FBLN5):c.-596T>G

Gene: FBLN5 (fibulin 5; minus strand). Cytogenetic location: 14q32.12.
Variant type: single nucleotide variant.
Coding change: c.-596T>G on transcript NM_006329.3; 596 bases upstream of the start codon, T replaced by G.
Genome position (GRCh38, 1-based): chr14:91,947,825, A>C on the plus strand (T>G on the coding strand, the complement: FBLN5 is on the minus strand). VCF-style: chr14-91947825-A-C. GRCh37 (hg19) VCF-style: chr14-92414169-A-C.
Identifiers: ClinVar variation 671278 (VCV000671278.3), dbSNP rs373215707, ClinGen allele CA265616753.

ClinVar aggregate classification (germline): Likely benign (1 of 4 stars; one submission).

Allele frequency attached by ClinVar (database versions not stated): TOPMed 0.00735; 1000 Genomes Project 0.03994; 1000 Genomes Project 30x 0.03716; gnomAD 0.00749 and 0.01110; gnomAD exomes 0.01190.

Submission:

GeneDx
Classification: Likely benign. Last evaluated: 2018-06-14. Review status: criteria provided, single submitter. Criteria: GeneDx Variant Classification (06012015). Collection method: clinical testing. Allele origin: germline. Affected: yes.
Comment: This variant is considered likely benign or benign based on one or more of the following criteria: it is a conservative change, it occurs at a poorly conserved position in the protein, it is predicted to be benign by multiple in silico algorithms, and/or has population frequency not consistent with disease.